The following is an entry in ClinVar:

ClinVar aggregate classification (germline): Pathogenic/Likely pathogenic. Review status: criteria provided, multiple submitters, no conflicts (2 of 4 stars). 4 submissions from 4 submitters: Pathogenic (1); Likely pathogenic (3). Last evaluated 2025-06-05.

Conditions:
Galactosylceramide beta-galactosidase deficiency. Also called: GALACTOCEREBROSIDASE DEFICIENCY; GALC DEFICIENCY; GLOBOID CELL LEUKOENCEPHALOPATHY; Leukodystrophy, Globoid Cell; Krabbe Disease. Identifiers: Orphanet 487, MedGen C0023521, MONDO:0009499, OMIM 245200.

Submissions (4):

Revvity Omics, Revvity
Classification: Likely pathogenic. Last evaluated: 2025-06-05. Review status: criteria provided, single submitter. Criteria: ACMG Guidelines, 2015. Collection method: clinical testing. Allele origin: germline.

Natera, Inc.
Classification: Likely pathogenic for Galactosylceramide beta-galactosidase deficiency. Last evaluated: 2024-06-28. Review status: criteria provided, single submitter. Criteria: Natera Variant Classification Schema (03/2026). Collection method: clinical testing. Allele origin: germline.
Comment: The c.1872_1888del variant in GALC is a frameshift variant predicted to shift the reading frame beginning at codon 625 and leads to a stop codon 7 codons downstream. This variant is expected to result in nonsense mediated decay, truncation, or a dysfunctional protein product. This variant is rare in the general population with a frequency below the threshold expected for the associated phenotype(s). Given the available evidence, this variant is classified as Likely Pathogenic.

Fulgent Genetics
Classification: Likely pathogenic for Galactosylceramide beta-galactosidase deficiency. Last evaluated: 2024-03-21. Review status: criteria provided, single submitter. Criteria: ACMG Guidelines, 2015. Collection method: clinical testing. Allele origin: germline.

Labcorp Genetics (formerly Invitae), Labcorp
Classification: Pathogenic for Galactosylceramide beta-galactosidase deficiency. Last evaluated: 2023-08-14. Review status: criteria provided, single submitter. Criteria: Invitae Variant Classification Sherloc (09022015). Collection method: clinical testing. Allele origin: germline.
Comment: This variant is also known as 1822del17. This sequence change creates a premature translational stop signal (p.Thr625Tyrfs*7) in the GALC gene. While this is not anticipated to result in nonsense mediated decay, it is expected to disrupt the last 61 amino acid(s) of the GALC protein. This variant is not present in population databases (gnomAD no frequency). This premature translational stop signal has been observed in individual(s) with clinical features of GALC-related conditions (PMID: 9338580). This variant disrupts a region of the GALC protein in which other variant(s) (p.Leu634Ser) have been determined to be pathogenic (PMID: 9272171, 16607461, 24252386, 26865610, 27679535, 27780934). This suggests that this is a clinically significant region of the protein, and that variants that disrupt it are likely to be disease-causing. For these reasons, this variant has been classified as Pathogenic. ClinVar contains an entry for this variant (Variation ID: 1516352).

Literature cited by the submitters: PubMed 9338580 (cited by Labcorp Genetics (formerly Invitae), Labcorp); PubMed 9272171 (cited by Labcorp Genetics (formerly Invitae), Labcorp); PubMed 16607461 (cited by Labcorp Genetics (formerly Invitae), Labcorp); PubMed 24252386 (cited by Labcorp Genetics (formerly Invitae), Labcorp); PubMed 26865610 (cited by Labcorp Genetics (formerly Invitae), Labcorp); PubMed 27679535 (cited by Labcorp Genetics (formerly Invitae), Labcorp); PubMed 27780934 (cited by Labcorp Genetics (formerly Invitae), Labcorp).

NM_000153.4(GALC):c.1872_1888del (p.Thr625fs)

Gene: GALC (galactosylceramidase; minus strand). Cytogenetic location: 14q31.3.
Variant type: Deletion.
Coding change: c.1872_1888del on transcript NM_000153.4 (MANE Select); coding-DNA positions 1872 to 1888, 17 bases deleted (TACAGCAAAAAAATGGT).
Protein change: p.Thr625fs; shifts the reading frame from threonine 625.
Molecular consequence: frameshift variant.
Genome position (GRCh38, 1-based): chr14:87,939,928-87,939,944, ACCATTTTTTTGCTGTA deleted on the plus strand (TACAGCAAAAAAATGGT on the coding strand, the reverse complement: GALC is on the minus strand); deleting any 17 consecutive bases within chr14:87,939,928-87,939,946 gives the same sequence; the c. name uses the placement nearest the transcript's 3' end. VCF-style (leftmost placement, unchanged base first): chr14-87939927-TACCATTTTTTTGCTGTA-T. GRCh37 (hg19) VCF-style: chr14-88406271-TACCATTTTTTTGCTGTA-T.
Other names: c.1872_1888del (NM_000153.3); c.1803_1819del, p.Thr602fs (NM_001201401.2); c.1794_1810del, p.Thr599fs (NM_001201402.2); short protein forms T602fs, T625fs, T599fs.
Identifiers: ClinVar variation 1516352 (VCV001516352.10), dbSNP rs1884764754, ClinGen allele CA965694387.